The following is an entry in ClinVar:

ClinVar aggregate classification (germline): Uncertain significance (1 of 4 stars; one submission).

Conditions:
COG5-congenital disorder of glycosylation. Also called: CDG IIi; COG5-CDG; CONGENITAL DISORDER OF GLYCOSYLATION, TYPE IIi. Identifiers: Orphanet 263487, MedGen C3150876, MONDO:0013325, OMIM 613612.

Allele frequency attached by ClinVar (database versions not stated): gnomAD exomes below 0.00001.
gnomAD v4.1: 1 of 1,613,668 alleles (0.000062%); highest among the groups gnomAD compares: East Asian, 0.0022%; no homozygotes.

Submission:

Labcorp Genetics (formerly Invitae), Labcorp
Classification: Uncertain significance for COG5-congenital disorder of glycosylation. Last evaluated: 2022-07-12. Review status: criteria provided, single submitter. Criteria: Invitae Variant Classification Sherloc (09022015). Collection method: clinical testing. Allele origin: germline.
Comment: This sequence change replaces valine, which is neutral and non-polar, with phenylalanine, which is neutral and non-polar, at codon 299 of the COG5 protein (p.Val299Phe). This variant is not present in population databases (gnomAD no frequency). This variant has not been reported in the literature in individuals affected with COG5-related conditions. ClinVar contains an entry for this variant (Variation ID: 1464045). Algorithms developed to predict the effect of missense changes on protein structure and function (SIFT, PolyPhen-2, Align-GVGD) all suggest that this variant is likely to be tolerated. In summary, the available evidence is currently insufficient to determine the role of this variant in disease. Therefore, it has been classified as a Variant of Uncertain Significance.

NM_006348.5(COG5):c.802G>T (p.Val268Phe)

Gene: COG5 (component of oligomeric golgi complex 5; minus strand). Cytogenetic location: 7q22.3.
Variant type: single nucleotide variant.
Coding change: c.802G>T on transcript NM_006348.5 (MANE Select); coding-DNA position 802, G replaced by T.
Protein change: p.Val268Phe; replaces valine 268 with phenylalanine.
Molecular consequence: missense variant. On other transcripts: intron variant (2).
Genome position (GRCh38, 1-based): chr7:107,372,628, C>A on the plus strand (G>T on the coding strand, the complement: COG5 is on the minus strand). VCF-style: chr7-107372628-C-A. GRCh37 (hg19) VCF-style: chr7-107013073-C-A.
Other names: c.802G>T, p.Val268Phe (NM_001161520.2, NM_001379511.1, NM_001379512.1 and 3 more transcripts); c.235-10518G>T (NM_001379516.1); c.539-74282G>T (NM_001379515.1); short protein forms V268F.
Identifiers: ClinVar variation 1464045 (VCV001464045.3), dbSNP rs2129050098, ClinGen allele CA368940677.
Genomic context (GRCh38, chr7:107,372,628, plus strand): 5'-GAAGCTAAATATAAACCACATCCATACCTCTCACAGCTGACTGGGAAGGCTGAGTCAAAA[C>A]TTTTATGTCTAATGCACTGTTGATATTTTCTTCTAAAGTAGCACAATATCCATCCACAAC-3'
Protein context (NP_006339.4, residues 258-278): ENINSALDIK[Val268Phe]LTQPSQSAVR